The following is an entry in ClinVar:

NM_000426.4(LAMA2):c.4517G>C (p.Cys1506Ser)

Gene: LAMA2 (laminin subunit alpha 2; plus strand). Cytogenetic location: 6q22.33.
Variant type: single nucleotide variant.
Coding change: c.4517G>C on transcript NM_000426.4 (MANE Select); coding-DNA position 4517, G replaced by C.
Protein change: p.Cys1506Ser; replaces cysteine 1506 with serine.
Molecular consequence: missense variant.
Genome position (GRCh38, 1-based): chr6:129,349,378, G>C. VCF-style: chr6-129349378-G-C. GRCh37 (hg19) VCF-style: chr6-129670523-G-C.
Other names: c.4517G>C, p.Cys1506Ser (NM_001079823.2); short protein forms C1506S.
Identifiers: ClinVar variation 556617 (VCV000556617.3), dbSNP rs1409043489, ClinGen allele CA365617591.

ClinVar aggregate classification (germline): Uncertain significance. Review status: criteria provided, single submitter (1 of 4 stars). 2 submissions from 2 submitters: Uncertain significance (1). 1 of the submissions does not count toward it. Last evaluated 2025-10-17.

Conditions:
Merosin deficient congenital muscular dystrophy (MDC1A). Also called: Congenital merosin-deficient muscular dystrophy 1A; Congenital Muscular Dystrophy Type 1A (MDC1A). Identifiers: Orphanet 258, MedGen C1263858, MONDO:0011925, OMIM 607855.

Allele frequency attached by ClinVar (database versions not stated): gnomAD exomes below 0.00001.
gnomAD v4.1: 1 of 1,612,504 alleles (0.000062%); highest among the groups gnomAD compares: African/African-American, 0.0013%; no homozygotes.

Submissions (2):

Women's Health and Genetics/Laboratory Corporation of America, LabCorp
Classification: Uncertain significance. Last evaluated: 2025-10-17. Review status: criteria provided, single submitter. Criteria: LabCorp Variant Classification Summary - May 2015. Collection method: clinical testing. Allele origin: germline.
Comment: Variant summary: LAMA2 c.4517G>C (p.Cys1506Ser) results in a non-conservative amino acid change in the encoded protein sequence. Algorithms developed to predict the effect of missense changes on protein structure and function all suggest that this variant is likely to be disruptive. The variant allele was found at a frequency of 4e-06 in 251322 control chromosomes. The available data on variant occurrences in the general population are insufficient to allow any conclusion about variant significance. c.4517G>C has been observed in individual(s) affected with clinical features of Laminin Alpha 2-Related Dystrophy (e.g. Sframeli_2017). These report(s) do not provide unequivocal conclusions about association of the variant with Laminin Alpha 2-Related Dystrophy. To our knowledge, no experimental evidence demonstrating an impact on protein function has been reported. The following publication has been ascertained in the context of this evaluation (PMID: 28688748). ClinVar contains an entry for this variant (Variation ID: 556617). Based on the evidence outlined above, the variant was classified as uncertain significance.

Counsyl
Classification: Uncertain significance for Merosin deficient congenital muscular dystrophy. Last evaluated: 2018-02-16. Review status: no assertion criteria provided. Collection method: clinical testing. Allele origin: unknown. Not counted in ClinVar's aggregate classification.

Literature cited by the submitters: PubMed 28688748 (cited by Women's Health and Genetics/Laboratory Corporation of America, LabCorp and Counsyl).